The following is an entry in ClinVar:

NM_001348716.2(KDM6B):c.3879+25C>T

Genes: KDM6B (lysine demethylase 6B; plus strand), LOC121587574 (Sharpr-MPRA regulatory region 3930; plus strand). Cytogenetic location: 17p13.1.
Variant type: single nucleotide variant.
Coding change: c.3879+25C>T on transcript NM_001348716.2 (MANE Select); 25 bases into the intron after coding-DNA position 3879, C replaced by T.
Molecular consequence: intron variant.
Genome position (GRCh38, 1-based): chr17:7,851,251, C>T. VCF-style: chr17-7851251-C-T. GRCh37 (hg19) VCF-style: chr17-7754569-C-T.
Other names: c.3879+25C>T (NM_001080424.2).
Identifiers: ClinVar variation 4854069 (VCV004854069.1).

ClinVar aggregate classification (germline): Uncertain significance (1 of 4 stars; one submission).

Conditions:
Neurodevelopmental disorder with coarse facies and mild distal skeletal abnormalities. Also called: STOLERMAN NEURODEVELOPMENTAL SYNDROME. Identifiers: MedGen C5193134, MONDO:0032790, OMIM 618505.

Submission:

3billion
Classification: Uncertain significance for Neurodevelopmental disorder with coarse facies and mild distal skeletal abnormalities. Last evaluated: 2025-09-22. Review status: criteria provided, single submitter. Criteria: ACMG Guidelines, 2015. Collection method: clinical testing. Allele origin: germline. Affected: yes.
Comment: The variant is not observed in the gnomAD v4.1.0 dataset. Predicted Consequence/Location: Intron variant In silico tools predict the variant to alter splicing and produce an abnormal transcript [SpliceAI: 0.40 (>=0.2, moderate evidence for spliceogenicity)]. Therefore, this variant is classified as VUS according to the recommendation of ACMG/AMP guideline.